The following is an entry in ClinVar:

NM_147127.5(EVC2):c.2310G>T (p.Trp770Cys)

Gene: EVC2 (EvC ciliary complex subunit 2; minus strand). Cytogenetic location: 4p16.2.
Variant type: single nucleotide variant.
Coding change: c.2310G>T on transcript NM_147127.5 (MANE Select); coding-DNA position 2310, G replaced by T.
Protein change: p.Trp770Cys; replaces tryptophan 770 with cysteine.
Molecular consequence: missense variant.
Genome position (GRCh38, 1-based): chr4:5,622,728, C>A on the plus strand (G>T on the coding strand, the complement: EVC2 is on the minus strand). VCF-style: chr4-5622728-C-A. GRCh37 (hg19) VCF-style: chr4-5624455-C-A.
Other names: c.2070G>T, p.Trp690Cys (NM_001166136.2); short protein forms W770C, W690C.
Identifiers: ClinVar variation 735648 (VCV000735648.16), dbSNP rs572056540, ClinGen allele CA2834753.

ClinVar aggregate classification (germline): Conflicting classifications of pathogenicity. Review status: criteria provided, conflicting classifications (1 of 4 stars). 4 submissions from 4 submitters: Uncertain significance (1); Benign (1); Likely benign (2). Last evaluated 2026-01-27.

Conditions:
EVC2-related disorder. Also called: EVC2-related condition.
Curry-Hall syndrome (WAD). Also called: WEYERS ACRODENTAL DYSOSTOSIS. Identifiers: Orphanet 952, MedGen C0457013, MONDO:0008673, OMIM 193530.
Ellis-van Creveld syndrome (EVC). Also called: MESOECTODERMAL DYSPLASIA; Chondroectodermal dysplasia. Identifiers: Orphanet 289, MedGen C0013903, MONDO:0009162, OMIM 225500.

Allele frequency attached by ClinVar (database versions not stated): gnomAD exomes 0.00017 and 0.00034; ExAC 0.00040; 1000 Genomes Project 0.00060; 1000 Genomes Project 30x 0.00078.
gnomAD v4.1: 263 of 1,614,138 alleles (0.016%); highest among the groups gnomAD compares: South Asian, 0.26%; 3 homozygotes.

Submissions (4):

Labcorp Genetics (formerly Invitae), Labcorp
Classification: Benign for Curry-Hall syndrome; Ellis-van Creveld syndrome. Last evaluated: 2026-01-27. Review status: criteria provided, single submitter. Criteria: Invitae Variant Classification Sherloc (09022015). Collection method: clinical testing. Allele origin: germline.

PreventionGenetics, part of Exact Sciences
Classification: Likely benign for EVC2-related condition. Last evaluated: 2025-09-23. Review status: criteria provided, single submitter. Criteria: ACMG Guidelines, 2015. Collection method: clinical testing. Allele origin: germline.
Comment: This variant is classified as likely benign based on ACMG/AMP sequence variant interpretation guidelines (Richards et al. 2015 PMID: 25741868, with internal and published modifications).

Fulgent Genetics
Classification: Likely benign for Curry-Hall syndrome; Ellis-van Creveld syndrome. Last evaluated: 2021-08-14. Review status: criteria provided, single submitter. Criteria: ACMG Guidelines, 2015. Collection method: clinical testing. Allele origin: unknown.

Revvity Omics, Revvity
Classification: Uncertain significance. Last evaluated: 2019-09-24. Review status: criteria provided, single submitter. Criteria: ACMG Guidelines, 2015. Collection method: clinical testing. Allele origin: germline.